The following is an entry in ClinVar:

ClinVar aggregate classification (germline): Likely pathogenic. Review status: criteria provided, multiple submitters, no conflicts (2 of 4 stars). 2 submissions from 2 submitters: Likely pathogenic (2). Last evaluated 2023-10-16.

Conditions:
Combined oxidative phosphorylation defect type 20. Also called: Combined oxidative phosphorylation deficiency 20. Identifiers: Orphanet 420728, MedGen C4014660, MONDO:0014397, OMIM 615917.

Submissions (2):

Department of Pathology and Laboratory Medicine, Sinai Health System
Classification: Likely pathogenic for Combined oxidative phosphorylation defect type 20. Last evaluated: 2023-10-16. Review status: criteria provided, single submitter. Criteria: ACMG Guidelines, 2015. Collection method: research. Allele origin: germline.

GeneDx
Classification: Likely pathogenic. Last evaluated: 2019-03-19. Review status: criteria provided, single submitter. Criteria: GeneDx Variant Classification Process June 2021. Collection method: clinical testing. Allele origin: germline. Affected: yes.
Comment: Frameshift variant predicted to result in protein truncation or nonsense mediated decay in a gene for which loss-of-function is a known mechanism of disease; Not observed in large population cohorts (Lek et al., 2016); Has not been previously published as pathogenic or benign to our knowledge

NM_020442.6(VARS2):c.251_270del (p.Tyr84fs)

Gene: VARS2 (valyl-tRNA synthetase 2, mitochondrial; plus strand). Cytogenetic location: 6p21.33.
Variant type: Deletion.
Coding change: c.251_270del on transcript NM_020442.6 (MANE Select); coding-DNA positions 251 to 270, 20 bases deleted (ATGAAATCCCTACGAAACCC).
Protein change: p.Tyr84fs; shifts the reading frame from tyrosine 84.
Molecular consequence: frameshift variant. On other transcripts: 5 prime UTR variant (1).
Genome position (GRCh38, 1-based): chr6:30,915,205-30,915,224, ATGAAATCCCTACGAAACCC deleted. VCF-style (leftmost placement, unchanged base first): chr6-30915204-TATGAAATCCCTACGAAACCC-T. GRCh37 (hg19) VCF-style: chr6-30882981-TATGAAATCCCTACGAAACCC-T.
Other names: c.-170_-151del (NM_001167733.3); c.341_360del, p.Tyr114fs (NM_001167734.2); short protein forms Y114fs, Y84fs.
Identifiers: ClinVar variation 1217942 (VCV001217942.4), dbSNP rs2150548621, ClinGen allele CA2499218200.
Genomic context (GRCh38, chr6:30,915,204, plus strand): 5'-TTCTCTTCTCAGTCACCTGCAGAATCCATTAAGGCCTGGAGGCCTAAGGAGTTAGTATTG[TATGAAATCCCTACGAAACCC>T]GGTGAAAAGAAAGGTAAGTAGAATAAGTAAGAAGGCCTTTTCTTTCACATATGTGTTGCC-3'